The following is an entry in ClinVar:

ClinVar aggregate classification (germline): Uncertain significance (1 of 4 stars; one submission).

Conditions:
Benign neonatal seizures. Also called: Benign neonatal familial convulsions; Benign familial neonatal epilepsy; Benign familial neonatal seizures; Convulsions benign familial neonatal dominant form; Autosomal dominant form of benign neonatal seizures. Identifiers: Orphanet 1949, MedGen C0220669, MONDO:0016027.

Allele frequency attached by ClinVar (database versions not stated): ExAC 0.00002; gnomAD exomes 0.00002; TOPMed 0.00003; gnomAD 0.00004.
gnomAD v4.1: 19 of 1,614,074 alleles (0.0012%); highest among the groups gnomAD compares: African/African-American, 0.0053%; no homozygotes.

Submission:

Labcorp Genetics (formerly Invitae), Labcorp
Classification: Uncertain significance for Benign neonatal seizures. Last evaluated: 2024-07-15. Review status: criteria provided, single submitter. Criteria: Invitae Variant Classification Sherloc (09022015). Collection method: clinical testing. Allele origin: germline.
Comment: This sequence change replaces arginine, which is basic and polar, with histidine, which is basic and polar, at codon 780 of the KCNQ3 protein (p.Arg780His). This variant is present in population databases (rs747235713, gnomAD 0.009%). This variant has not been reported in the literature in individuals affected with KCNQ3-related conditions. ClinVar contains an entry for this variant (Variation ID: 205991). Advanced modeling of protein sequence and biophysical properties (such as structural, functional, and spatial information, amino acid conservation, physicochemical variation, residue mobility, and thermodynamic stability) performed at Invitae indicates that this missense variant is not expected to disrupt KCNQ3 protein function with a negative predictive value of 95%. In summary, the available evidence is currently insufficient to determine the role of this variant in disease. Therefore, it has been classified as a Variant of Uncertain Significance.

NM_004519.4(KCNQ3):c.2339G>A (p.Arg780His)

Gene: KCNQ3 (potassium voltage-gated channel subfamily Q member 3; minus strand). Cytogenetic location: 8q24.22.
Variant type: single nucleotide variant.
Coding change: c.2339G>A on transcript NM_004519.4 (MANE Select); coding-DNA position 2339, G replaced by A.
Protein change: p.Arg780His; replaces arginine 780 with histidine.
Molecular consequence: missense variant.
Genome position (GRCh38, 1-based): chr8:132,129,542, C>T on the plus strand (G>A on the coding strand, the complement: KCNQ3 is on the minus strand). VCF-style: chr8-132129542-C-T. GRCh37 (hg19) VCF-style: chr8-133141789-C-T.
Other names: c.1979G>A, p.Arg660His (NM_001204824.2); short protein forms R780H, R660H.
Identifiers: ClinVar variation 205991 (VCV000205991.9), dbSNP rs747235713, ClinGen allele CA315648.
Genomic context (GRCh38, chr8:132,129,542, plus strand): 5'-AGCTCCTCGTGGTTGACCGACATCAGGGACAGAGGTGTGTCACTGTCTCGCGTGATGCTA[C>T]GTCTCTGCCGGGGGGAGATTCGGTCCGAGTAGGGGCCCTGCAGGTCAGCCTGGGAGTGGC-3'
Protein context (NP_004510.1, residues 770-790): YSDRISPRQR[Arg780His]SITRDSDTPL